The following is an entry in ClinVar:

ClinVar aggregate classification (germline): Uncertain significance (1 of 4 stars; one submission).

Submission:

Labcorp Genetics (formerly Invitae), Labcorp
Classification: Uncertain significance. Last evaluated: 2024-02-17. Review status: criteria provided, single submitter. Criteria: Invitae Variant Classification Sherloc (09022015). Collection method: clinical testing. Allele origin: germline.
Comment: This sequence change replaces proline, which is neutral and non-polar, with leucine, which is neutral and non-polar, at codon 99 of the ALPK3 protein (p.Pro99Leu). This variant is not present in population databases (gnomAD no frequency). This variant has not been reported in the literature in individuals affected with ALPK3-related conditions. Algorithms developed to predict the effect of missense changes on protein structure and function output the following: SIFT: "Not Available"; PolyPhen-2: "Benign"; Align-GVGD: "Not Available". The leucine amino acid residue is found in multiple mammalian species, which suggests that this missense change does not adversely affect protein function. In summary, the available evidence is currently insufficient to determine the role of this variant in disease. Therefore, it has been classified as a Variant of Uncertain Significance.

NC_000015.10:g.84817142C>T

Gene: ALPK3 (alpha kinase 3; plus strand). Cytogenetic location: 15q25.3.
Variant type: single nucleotide variant.
Genome position: GRCh38 VCF-style: chr15-84817142-C-T. GRCh37 (hg19) VCF-style: chr15-85360373-C-T.
Identifiers: ClinVar variation 3621753 (VCV003621753.2).